The following is an entry in ClinVar:

ClinVar aggregate classification (germline): Uncertain significance. Review status: criteria provided, multiple submitters, no conflicts (2 of 4 stars). 3 submissions from 3 submitters: Uncertain significance (2). 1 of the submissions does not count toward it. Last evaluated 2023-03-08.

Conditions:
Duchenne muscular dystrophy (DMD). Also called: Duchenne Muscular Dystrophy (DMD); MUSCULAR DYSTROPHY, PSEUDOHYPERTROPHIC PROGRESSIVE, DUCHENNE TYPE. Identifiers: Orphanet 98896, MedGen C0013264, MONDO:0010679, OMIM 310200.
Dystrophin deficiency.
Becker muscular dystrophy (BMD). Also called: MUSCULAR DYSTROPHY, PSEUDOHYPERTROPHIC PROGRESSIVE, BECKER TYPE; Becker Muscular Dystrophy (BMD). Identifiers: Orphanet 98895, MedGen C0917713, MONDO:0010311, OMIM 300376.
Cardiomyopathy (CMYO). Also called: Cardiomyopathies. Identifiers: Orphanet 167848, MedGen C0878544, MONDO:0004994, HP:0001638. Inheritance: Various modes of inheritance.

Allele frequency attached by ClinVar (database versions not stated): TOPMed below 0.00001; gnomAD 0.00001.
gnomAD v4.1: 7 of 1,209,389 alleles (0.00058%); highest among the groups gnomAD compares: Non-Finnish European, 0.00078%; no homozygotes.

Submissions (3):

Revvity Omics, Revvity
Classification: Uncertain significance. Last evaluated: 2023-03-08. Review status: criteria provided, single submitter. Criteria: ACMG Guidelines, 2015. Collection method: clinical testing. Allele origin: germline.

Labcorp Genetics (formerly Invitae), Labcorp
Classification: Uncertain significance for Duchenne muscular dystrophy. Last evaluated: 2021-08-24. Review status: criteria provided, single submitter. Criteria: Invitae Variant Classification Sherloc (09022015). Collection method: clinical testing. Allele origin: germline.
Comment: This sequence change replaces glutamine with glutamic acid at codon 844 of the DMD protein (p.Gln844Glu). The glutamine residue is highly conserved and there is a small physicochemical difference between glutamine and glutamic acid. This variant is not present in population databases (ExAC no frequency). This variant has not been reported in the literature in individuals affected with DMD-related conditions. Algorithms developed to predict the effect of missense changes on protein structure and function (SIFT, PolyPhen-2, Align-GVGD) all suggest that this variant is likely to be tolerated. In summary, the available evidence is currently insufficient to determine the role of this variant in disease. Therefore, it has been classified as a Variant of Uncertain Significance.

Natera, Inc.
Classification: Uncertain significance for Becker muscular dystrophy; Cardiomyopathy; Duchenne muscular dystrophy; Dystrophin deficiency. Last evaluated: 2019-01-08. Review status: no assertion criteria provided. Collection method: clinical testing. Allele origin: germline. Not counted in ClinVar's aggregate classification.

NM_004006.3(DMD):c.2530C>G (p.Gln844Glu)

Gene: DMD (dystrophin; minus strand). Cytogenetic location: Xp21.1.
Variant type: single nucleotide variant.
Coding change: c.2530C>G on transcript NM_004006.3 (MANE Select); coding-DNA position 2530, C replaced by G.
Protein change: p.Gln844Glu; replaces glutamine 844 with glutamic acid.
Molecular consequence: missense variant.
Genome position (GRCh38, 1-based): chrX:32,491,369, G>C on the plus strand (C>G on the coding strand, the complement: DMD is on the minus strand). VCF-style: chrX-32491369-G-C. GRCh37 (hg19) VCF-style: chrX-32509486-G-C.
Other names: c.2506C>G, p.Gln836Glu (NM_000109.4); c.2518C>G, p.Gln840Glu (NM_004009.3); c.2161C>G, p.Gln721Glu (NM_004010.3); short protein forms Q844E, Q721E, Q840E, Q836E.
Identifiers: ClinVar variation 850291 (VCV000850291.7), dbSNP rs768892830, ClinGen allele CA412672173.